The following is an entry in ClinVar:

NM_004385.5(VCAN):c.7985A>G (p.Gln2662Arg)

Genes: VCAN (versican; plus strand), VCAN-AS1 (VCAN antisense RNA 1; minus strand). Cytogenetic location: 5q14.3.
Variant type: single nucleotide variant.
Coding change: c.7985A>G on transcript NM_004385.5 (MANE Select); coding-DNA position 7985, A replaced by G.
Protein change: p.Gln2662Arg; replaces glutamine 2662 with arginine.
Molecular consequence: missense variant. On other transcripts: intron variant (2).
Genome position (GRCh38, 1-based): chr5:83,540,988, A>G. VCF-style: chr5-83540988-A-G. GRCh37 (hg19) VCF-style: chr5-82836807-A-G.
Other names: c.5024A>G, p.Gln1675Arg (NM_001164097.2); c.4004-4549A>G (NM_001164098.2); c.1043-4549A>G (NM_001126336.3); short protein forms Q1675R, Q2662R.
Identifiers: ClinVar variation 1040542 (VCV001040542.8), dbSNP rs1372415264, ClinGen allele CA360315948.

ClinVar aggregate classification (germline): Uncertain significance (1 of 4 stars; one submission).

Allele frequency attached by ClinVar (database versions not stated): gnomAD exomes below 0.00001; gnomAD 0.00001; TOPMed 0.00001.
gnomAD v4.1: 4 of 1,613,986 alleles (0.00025%); highest among the groups gnomAD compares: Non-Finnish European, 0.00034%; no homozygotes.

Submission:

Labcorp Genetics (formerly Invitae), Labcorp
Classification: Uncertain significance. Last evaluated: 2025-08-18. Review status: criteria provided, single submitter. Criteria: Invitae Variant Classification Sherloc (09022015). Collection method: clinical testing. Allele origin: germline.
Comment: This sequence change replaces glutamine, which is neutral and polar, with arginine, which is basic and polar, at codon 2662 of the VCAN protein (p.Gln2662Arg). This variant is not present in population databases (gnomAD no frequency). This variant has not been reported in the literature in individuals affected with VCAN-related conditions. ClinVar contains an entry for this variant (Variation ID: 1040542). An algorithm developed to predict the effect of missense changes on protein structure and function outputs the following: PolyPhen-2: "Benign". The arginine amino acid residue is found in multiple mammalian species, which suggests that this missense change does not adversely affect protein function. In summary, the available evidence is currently insufficient to determine the role of this variant in disease. Therefore, it has been classified as a Variant of Uncertain Significance.